The following is an entry in ClinVar:

ClinVar aggregate classification (germline): Pathogenic (1 of 4 stars; one submission).

Submission:

Labcorp Genetics (formerly Invitae), Labcorp
Classification: Pathogenic. Last evaluated: 2022-05-28. Review status: criteria provided, single submitter. Criteria: Invitae Variant Classification Sherloc (09022015). Collection method: clinical testing. Allele origin: germline.
Comment: This sequence change replaces methionine, which is neutral and non-polar, with arginine, which is basic and polar, at codon 1690 of the ABCA4 protein (p.Met1690Arg). For these reasons, this variant has been classified as Pathogenic. This variant disrupts the p.Met1690 amino acid residue in ABCA4. Other variant(s) that disrupt this residue have been determined to be pathogenic (Invitae). This suggests that this residue is clinically significant, and that variants that disrupt this residue are likely to be disease-causing. Algorithms developed to predict the effect of sequence changes on RNA splicing suggest that this variant may create or strengthen a splice site. Advanced modeling of protein sequence and biophysical properties (such as structural, functional, and spatial information, amino acid conservation, physicochemical variation, residue mobility, and thermodynamic stability) performed at Invitae indicates that this missense variant is expected to disrupt ABCA4 protein function. This missense change has been observed in individual(s) with Stargardt disease (Invitae). This variant is not present in population databases (gnomAD no frequency).

NM_000350.3(ABCA4):c.5069T>G (p.Met1690Arg)

Gene: ABCA4 (ATP binding cassette subfamily A member 4; minus strand). Cytogenetic location: 1p22.1.
Variant type: single nucleotide variant.
Coding change: c.5069T>G on transcript NM_000350.3 (MANE Select); coding-DNA position 5069, T replaced by G.
Protein change: p.Met1690Arg; replaces methionine 1690 with arginine.
Molecular consequence: missense variant.
Genome position (GRCh38, 1-based): chr1:94,019,709, A>C on the plus strand (T>G on the coding strand, the complement: ABCA4 is on the minus strand). VCF-style: chr1-94019709-A-C. GRCh37 (hg19) VCF-style: chr1-94485265-A-C.
Other names: c.4847T>G, p.Met1616Arg (NM_001425324.1); short protein forms M1690R, M1616R.
Identifiers: ClinVar variation 2000193 (VCV002000193.4), dbSNP rs1333985048, ClinGen allele CA341282779.
Genomic context (GRCh38, chr1:94,019,709, plus strand): 5'-TTGGATTTGTTCACCCGCTCCTGGATCAAATAAAGGACAAAGCTGGCTGGGACGAAGGAC[A>C]TGGAGAAAATCACGCAGATGGCAACCACAGCATCCACTGAAGTGGTCAGCCTGCAGCAGG-3'
Protein context (NP_000341.2, residues 1680-1700): AVVAICVIFS[Met1690Arg]SFVPASFVLY